The following is an entry in ClinVar:

ClinVar aggregate classification (germline): Benign. Review status: reviewed by expert panel (3 of 4 stars). 22 submissions from 20 submitters: Benign (1). 21 of the submissions do not count toward it. Last evaluated 2025-11-11.

Conditions:
Hypertrophic cardiomyopathy 1 (CMH1). Also called: MYH7-Related Familial Hypertrophic Cardiomyopathy; Familial hypertrophic cardiomyopathy 1. Identifiers: MedGen C3495498, MONDO:0008647, OMIM 192600.
Myosin storage myopathy (CMYO7A). Also called: SCAPULOPERONEAL MUSCULAR DYSTROPHY; SCAPULOPERONEAL SYNDROME, MYOPATHIC TYPE; MYH7-related late-onset scapuloperoneal muscular dystrophy; Congenital myopathy 7A, myosin storage, autosomal dominant; MYOPATHY WITH LYSIS OF TYPE I MYOFIBRILS; Scapuloperoneal myopathy, MYH7-related. Identifiers: Orphanet 437572, Orphanet 636965, MedGen C1842160, MONDO:0008409, OMIM 608358.
Congenital myopathy with fiber type disproportion. Also called: Congenital fiber-type disproportion myopathy; Congenital fiber-type disproportion. Identifiers: Orphanet 2020, MedGen C0546264, MONDO:0009711. Inheritance: all.
Myopathy, myosin storage, autosomal recessive (CMYO7B). Also called: CONGENITAL MYOPATHY 7B, MYOSIN STORAGE, AUTOSOMAL RECESSIVE. Identifiers: Orphanet 636970, MedGen C1850709, MONDO:0009708, OMIM 255160.
MYH7-related skeletal myopathy. Also called: Laing distal myopathy; Myopathy, distal, 1; MYOPATHY, DISTAL, EARLY-ONSET, AUTOSOMAL DOMINANT; MYOPATHY, LATE DISTAL HEREDITARY; Laing early-onset distal myopathy. Identifiers: Orphanet 59135, MedGen C4552004, MONDO:0008050, OMIM 160500.
Dilated cardiomyopathy 1S (CMD1S). Identifiers: Orphanet 154, Orphanet 54260, MedGen C1834481, MONDO:0013262, OMIM 613426.
Cardiovascular phenotype. Identifiers: MedGen CN230736.
Cardiomyopathy (CMYO). Also called: Cardiomyopathies. Identifiers: Orphanet 167848, MedGen C0878544, MONDO:0004994, HP:0001638. Inheritance: Various modes of inheritance.
Hypertrophic cardiomyopathy. Also called: HYPERTROPHIC MYOCARDIOPATHY. Identifiers: Orphanet 217569, MedGen C0007194, MeSH D002312, MONDO:0005045, HP:0001639.

Allele frequency attached by ClinVar (database versions not stated): gnomAD exomes 0.00303; ExAC 0.00375; gnomAD 0.01223 and 0.01311; 1000 Genomes Project 0.01298; 1000 Genomes Project 30x 0.01327; ESP Exome Variant Server 0.01392; TOPMed 0.01411.
gnomAD v4.1: 3,916 of 1,614,206 alleles (0.24%); highest among the groups gnomAD compares: African/African-American, 4.5%; 80 homozygotes.

Submissions (22):

ClinGen Cardiomyopathy Variant Curation Expert Panel
Classification: Benign for Hypertrophic cardiomyopathy. Last evaluated: 2025-11-11. Review status: reviewed by expert panel. Criteria: ClinGen CMP ACMG Specifications v1. Collection method: curation. Allele origin: germline. Inheritance: Autosomal dominant inheritance.
Comment: The filtering allele frequency of the c.1767C>T (p.Asn589=) variant in the MYH7 gene is 3.71% (419/10406) of African chromosomes by the Exome Aggregation Consortium, which is a high enough frequency to be classified as benign based on thresholds defined by the ClinGen Inherited Cardiomyopathy Expert Panel (BA1; PMID:29300372).

Labcorp Genetics (formerly Invitae), Labcorp
Classification: Benign for Hypertrophic cardiomyopathy. Last evaluated: 2026-02-03. Review status: criteria provided, single submitter. Criteria: Invitae Variant Classification Sherloc (09022015). Collection method: clinical testing. Allele origin: germline. Not counted in ClinVar's aggregate classification.

ARUP Laboratories, Molecular Genetics and Genomics, ARUP Laboratories
Classification: Benign. Last evaluated: 2025-07-22. Review status: criteria provided, single submitter. Criteria: ARUP Molecular Germline Variant Investigation Process 2024. Collection method: clinical testing. Allele origin: germline. Not counted in ClinVar's aggregate classification.

Molecular Diagnostic Laboratory for Inherited Cardiovascular Disease, Montreal Heart Institute
Classification: Benign. Last evaluated: 2025-04-09. Review status: criteria provided, single submitter. Criteria: ACMG Guidelines, 2015. Collection method: clinical testing. Allele origin: germline. Affected: no. Not counted in ClinVar's aggregate classification.

Cohesion Phenomics
Classification: Benign for Hypertrophic Cardiomyopathy. Last evaluated: 2022-10-10. Review status: criteria provided, single submitter. Criteria: ACMG Guidelines, 2015. Collection method: clinical testing. Allele origin: germline. Affected: yes. Not counted in ClinVar's aggregate classification.

Fulgent Genetics
Classification: Benign for MYH7-related skeletal myopathy; Myosin storage myopathy; Hypertrophic cardiomyopathy 1; Myopathy, myosin storage, autosomal recessive; Congenital myopathy 4A, autosomal dominant; Dilated cardiomyopathy 1S. Last evaluated: 2021-07-19. Review status: criteria provided, single submitter. Criteria: ACMG Guidelines, 2015. Collection method: clinical testing. Allele origin: unknown. Not counted in ClinVar's aggregate classification.

Athena Diagnostics
Classification: Benign. Last evaluated: 2020-03-19. Review status: criteria provided, single submitter. Criteria: Athena Diagnostics Criteria. Collection method: clinical testing. Allele origin: unknown. Not counted in ClinVar's aggregate classification.

Mayo Clinic Laboratories, Mayo Clinic
Classification: Benign. Last evaluated: 2019-09-27. Review status: criteria provided, single submitter. Criteria: ACMG Guidelines, 2015. Collection method: clinical testing. Allele origin: germline. Observed: 16 variant alleles. Not counted in ClinVar's aggregate classification.

Color Diagnostics, LLC DBA Color Health
Classification: Benign for Cardiomyopathy. Last evaluated: 2018-03-05. Review status: criteria provided, single submitter. Criteria: ACMG Guidelines, 2015. Collection method: clinical testing. Allele origin: germline. Not counted in ClinVar's aggregate classification.

Illumina Laboratory Services, Illumina
Classification: Benign for Myosin storage myopathy. Last evaluated: 2018-01-13. Review status: criteria provided, single submitter. Criteria: ICSL Variant Classification Criteria 13 December 2019. Collection method: clinical testing. Allele origin: germline. Not counted in ClinVar's aggregate classification.
Comment: This variant was observed in the ICSL laboratory as part of a predisposition screen in an ostensibly healthy population. It had not been previously curated by ICSL or reported in the Human Gene Mutation Database (HGMD: prior to June 1st, 2018), and was therefore a candidate for classification through an automated scoring system. Utilizing variant allele frequency, disease prevalence and penetrance estimates, and inheritance mode, an automated score was calculated to assess if this variant is too frequent to cause the disease. Based on the score and internal cut-off values, a variant classified as benign is not then subjected to further curation. The score for this variant resulted in a classification of benign for this disease.

Illumina Laboratory Services, Illumina
Classification: Benign for MYH7-related skeletal myopathy. Last evaluated: 2018-01-13. Review status: criteria provided, single submitter. Criteria: ICSL Variant Classification Criteria 13 December 2019. Collection method: clinical testing. Allele origin: germline. Not counted in ClinVar's aggregate classification.
Comment: the same text as in the submission from Illumina Laboratory Services, Illumina above.

Illumina Laboratory Services, Illumina
Classification: Likely benign for Hypertrophic cardiomyopathy 1. Last evaluated: 2018-01-13. Review status: criteria provided, single submitter. Criteria: ICSL Variant Classification Criteria 13 December 2019. Collection method: clinical testing. Allele origin: germline. Not counted in ClinVar's aggregate classification.
Comment: This variant was observed in the ICSL laboratory as part of a predisposition screen in an ostensibly healthy population. It had not been previously curated by ICSL or reported in the Human Gene Mutation Database (HGMD: prior to June 1st, 2018), and was therefore a candidate for classification through an automated scoring system. Utilizing variant allele frequency, disease prevalence and penetrance estimates, and inheritance mode, an automated score was calculated to assess if this variant is too frequent to cause the disease. Based on the score and internal cut-off values, a variant classified as likely benign is not then subjected to further curation. The score for this variant resulted in a classification of likely benign for this disease.

Ambry Genetics
Classification: Benign for Cardiovascular phenotype. Last evaluated: 2015-09-09. Review status: criteria provided, single submitter. Criteria: Ambry Variant Classification Scheme 2023. Collection method: clinical testing. Allele origin: germline. Not counted in ClinVar's aggregate classification.

GeneDx
Classification: Benign. Last evaluated: 2011-10-20. Review status: criteria provided, single submitter. Criteria: GeneDx Variant Classification (06012015). Collection method: clinical testing. Allele origin: germline. Affected: yes. Not counted in ClinVar's aggregate classification.
Comment: This variant is considered likely benign or benign based on one or more of the following criteria: it is a conservative change, it occurs at a poorly conserved position in the protein, it is predicted to be benign by multiple in silico algorithms, and/or has population frequency not consistent with disease.

Laboratory for Molecular Medicine, Mass General Brigham Personalized Medicine
Classification: Benign. Last evaluated: 2011-06-09. Review status: criteria provided, single submitter. Criteria: LMM Criteria. Collection method: clinical testing. Allele origin: germline. Observed: 51 variant alleles. Not counted in ClinVar's aggregate classification.
Comment: This variant is considered to be benign because it does not change an amino acid and is frequent in the general population (rs3729816; MAF>1%)

Breakthrough Genomics
Classification: Benign. Review status: criteria provided, single submitter. Criteria: ACMG Guidelines, 2015. Collection method: not provided. Allele origin: germline. Inheritance: Autosomal recessive inheritance. Affected: yes. Not counted in ClinVar's aggregate classification.

PreventionGenetics, part of Exact Sciences
Classification: Benign. Review status: criteria provided, single submitter. Criteria: ACMG Guidelines, 2015. Collection method: clinical testing. Allele origin: germline. Not counted in ClinVar's aggregate classification.

Clinical Genetics DNA and cytogenetics Diagnostics Lab, Erasmus MC, Erasmus Medical Center
Classification: Benign. Review status: no assertion criteria provided. Collection method: clinical testing. Allele origin: germline. Affected: yes. Study: VKGL Data-share Consensus. Not counted in ClinVar's aggregate classification.

Clinical Genetics, Academic Medical Center
Classification: Benign. Review status: no assertion criteria provided. Collection method: clinical testing. Allele origin: germline. Affected: yes. Study: VKGL Data-share Consensus. Not counted in ClinVar's aggregate classification.

Genetic Services Laboratory, University of Chicago
Classification: Likely benign for AllHighlyPenetrant. Review status: no assertion criteria provided. Collection method: clinical testing. Allele origin: germline. Inheritance: Autosomal dominant inheritance. Not counted in ClinVar's aggregate classification.
Comment: Likely benign based on allele frequency in 1000 Genomes Project or ESP global frequency and its presence in a patient with a rare or unrelated disease phenotype. NOT Sanger confirmed.

Genome Diagnostics Laboratory, University Medical Center Utrecht
Classification: Benign. Review status: no assertion criteria provided. Collection method: clinical testing. Allele origin: germline. Affected: yes. Study: VKGL Data-share Consensus. Not counted in ClinVar's aggregate classification.

Joint Genome Diagnostic Labs from Nijmegen and Maastricht, Radboudumc and MUMC+
Classification: Benign. Review status: no assertion criteria provided. Collection method: clinical testing. Allele origin: germline. Affected: yes. Study: VKGL Data-share Consensus. Not counted in ClinVar's aggregate classification.

Literature cited by the submitters: PubMed 29300372 (cited by ClinGen Cardiomyopathy Variant Curation Expert Panel); PubMed 15358028 (cited by Athena Diagnostics); PubMed 24758099 (cited by Athena Diagnostics).

NM_000257.4(MYH7):c.1767C>T (p.Asn589=)

Gene: MYH7 (myosin heavy chain 7; minus strand). Cytogenetic location: 14q11.2.
Variant type: single nucleotide variant.
Coding change: c.1767C>T on transcript NM_000257.4 (MANE Select); coding-DNA position 1767, C replaced by T.
Protein change: p.Asn589=; no amino-acid change (asparagine 589 retained).
Molecular consequence: synonymous variant.
Genome position (GRCh38, 1-based): chr14:23,427,706, G>A on the plus strand (C>T on the coding strand, the complement: MYH7 is on the minus strand). VCF-style: chr14-23427706-G-A. GRCh37 (hg19) VCF-style: chr14-23896915-G-A.
Other names: p.N589N:AAC>AAT; NM_000257.3(MYH7):c.1767C>T.
Identifiers: ClinVar variation 42864 (VCV000042864.51), dbSNP rs3729816, ClinGen allele CA011229.